The following is an entry in ClinVar:

NM_000214.3(JAG1):c.1120+4A>T

Gene: JAG1 (jagged canonical Notch ligand 1; minus strand). Cytogenetic location: 20p12.2.
Variant type: single nucleotide variant.
Coding change: c.1120+4A>T on transcript NM_000214.3 (MANE Select); 4 bases into the intron after coding-DNA position 1120, A replaced by T.
Molecular consequence: intron variant.
Genome position (GRCh38, 1-based): chr20:10,651,577, T>A on the plus strand (A>T on the coding strand, the complement: JAG1 is on the minus strand). VCF-style: chr20-10651577-T-A. GRCh37 (hg19) VCF-style: chr20-10632225-T-A.
Identifiers: ClinVar variation 4077057 (VCV004077057.1).
Genomic context (GRCh38, chr20:10,651,577, plus strand): 5'-TCCCCAGCGTGGTATCTTGGCACAAGGATCCTTAGAATGGACACAGGCTGAAAATTGGAC[T>A]TACTTGTAGAGCATGTGGGGCCGGTCCAGCCTGGGGAACACTCACACTCAAAGCCCAGGG-3'

ClinVar aggregate classification (germline): Uncertain significance (1 of 4 stars; one submission).

Conditions:
Alagille syndrome due to a JAG1 point mutation. Also called: HEPATIC DUCTULAR HYPOPLASIA, SYNDROMATIC; Alagille Syndrome 1; JAG1-Related Alagille Syndrome. Identifiers: Orphanet 261619, Orphanet 52, MedGen C1956125, MONDO:0016862, OMIM 118450.

Submission:

MVZ Medizinische Genetik Mainz
Classification: Uncertain significance for Alagille syndrome due to a JAG1 point mutation. Last evaluated: 2025-08-06. Review status: criteria provided, single submitter. Criteria: UK Practice Guidelines For Variant Classification V4 01 2020. Collection method: clinical testing. Allele origin: germline. Inheritance: Autosomal dominant inheritance. Affected: yes. Observed: 1 variant allele.
Comment: ACMG Criteria: PM2_SUP,PP3